The following is an entry in ClinVar:

NM_007294.4(BRCA1):c.707C>G (p.Thr236Ser)

Gene: BRCA1 (BRCA1 DNA repair associated; minus strand). Cytogenetic location: 17q21.31.
Variant type: single nucleotide variant.
Coding change: c.707C>G on transcript NM_007294.4 (MANE Select); coding-DNA position 707, C replaced by G.
Protein change: p.Thr236Ser; replaces threonine 236 with serine.
Molecular consequence: missense variant. On other transcripts: non-coding transcript variant (1).
Genome position (GRCh38, 1-based): chr17:43,094,824, G>C on the plus strand (C>G on the coding strand, the complement: BRCA1 is on the minus strand). VCF-style: chr17-43094824-G-C. GRCh37 (hg19) VCF-style: chr17-41246841-G-C.
Other names: c.371C>G, p.Thr124Ser (NM_001407954.1, NM_001407955.1, NM_001407956.1 and 3 more transcripts); c.374C>G, p.Thr125Ser (NM_001407957.1, NM_001408502.1, NM_001407946.1 and 7 more transcripts); c.326C>G, p.Thr109Ser (NM_001407959.1, NM_001407960.1, NM_001407963.1 and 1 more transcripts); c.323C>G, p.Thr108Ser (NM_001407962.1); c.563C>G, p.Thr188Ser (NM_001407964.1, NM_001408462.1, NM_001408463.1 and 26 more transcripts); c.203C>G, p.Thr68Ser (NM_001407965.1, NM_001408512.1); c.-182C>G (NM_001407966.1, NM_001407967.1); c.707C>G, p.Thr236Ser (NM_001407968.1, NM_001407969.1, NM_001407970.1 and 54 more transcripts); and 14 more; short protein forms T236S, T189S, T148S, T169S, T194S, T195S, T109S, T125S.
Identifiers: ClinVar variation 55673 (VCV000055673.14), dbSNP rs80356990, ClinGen allele CA003826.
Genomic context (GRCh38, chr17:43,094,824, plus strand): 5'-CTCTCAGCTGCACGCTTCTCAGTGGTGTTCAAATCATTATTACTGGGTTGATGATGTTCA[G>C]TATTTGTTACATCCGTCTCAGAAAATTCACAAGCAGCTGAAAATATACAAAAATAACAAG-3'
Protein context (NP_009225.1, residues 226-246): CEFSETDVTN[Thr236Ser]EHHQPSNNDL

ClinVar aggregate classification (germline): Conflicting classifications of pathogenicity. Review status: criteria provided, conflicting classifications (1 of 4 stars). 4 submissions from 4 submitters: Uncertain significance (2); Likely benign (1). 1 of the submissions does not count toward it. Last evaluated 2023-03-23.

Conditions:
Hereditary cancer-predisposing syndrome. Also called: Hereditary Cancer Syndrome; Hereditary neoplastic syndrome; Neoplastic Syndromes, Hereditary; Tumor predisposition. Identifiers: Orphanet 140162, MedGen C0027672, MeSH D009386, MONDO:0015356.
Hereditary breast ovarian cancer syndrome. Also called: BRCA1- and BRCA2-Associated Hereditary Breast and Ovarian Cancer; Hereditary breast and ovarian cancer syndrome; Hereditary breast and ovarian cancer syndrome (HBOC); Breast and ovarian cancer; Hereditary breast and/or ovarian cancer syndrome; Hereditary breast and ovarian cancer. Identifiers: Orphanet 145, MedGen C0677776, MeSH D061325, MONDO:0003582. Disease mechanism: loss of function.
Breast-ovarian cancer, familial, susceptibility to, 1 (BROVCA1). Also called: BRCA1 Hereditary Breast and Ovarian Cancer; OVARIAN CANCER, SUSCEPTIBILITY TO. Identifiers: Orphanet 145, MedGen C2676676, MONDO:0011450, OMIM 604370. Disease mechanism: loss of function.

Submissions (4):

University of Washington Department of Laboratory Medicine, University of Washington
Classification: Likely benign for Hereditary cancer-predisposing syndrome. Last evaluated: 2023-03-23. Review status: criteria provided, single submitter. Criteria: Dines et al. (Genet Med. 2020). Collection method: curation. Allele origin: germline.
Comment: Missense variant in a coldspot region where missense variants are very unlikely to be pathogenic (PMID:31911673).

BRCA1 coldspot (exon 11 using historical exon numbering). Reclassification based on statistical prior probability

Labcorp Genetics (formerly Invitae), Labcorp
Classification: Uncertain significance for Hereditary breast ovarian cancer syndrome. Last evaluated: 2022-01-27. Review status: criteria provided, single submitter. Criteria: Invitae Variant Classification Sherloc (09022015). Collection method: clinical testing. Allele origin: germline.
Comment: This sequence change replaces threonine, which is neutral and polar, with serine, which is neutral and polar, at codon 236 of the BRCA1 protein (p.Thr236Ser). This variant is not present in population databases (gnomAD no frequency). This variant has not been reported in the literature in individuals affected with BRCA1-related conditions. ClinVar contains an entry for this variant (Variation ID: 55673). Advanced modeling of protein sequence and biophysical properties (such as structural, functional, and spatial information, amino acid conservation, physicochemical variation, residue mobility, and thermodynamic stability) performed at Invitae indicates that this missense variant is not expected to disrupt BRCA1 protein function. In summary, the available evidence is currently insufficient to determine the role of this variant in disease. Therefore, it has been classified as a Variant of Uncertain Significance.

Ambry Genetics
Classification: Uncertain significance for Hereditary cancer-predisposing syndrome. Last evaluated: 2015-07-02. Review status: criteria provided, single submitter. Criteria: Ambry Variant Classification Scheme 2023. Collection method: clinical testing. Allele origin: germline.
Comment: The p.T236S variant (also known as c.707C>G and 826C>G), located in coding exon 9 of the BRCA1 gene, results from a C to G substitution at nucleotide position 707. The threonine at codon 236 is replaced by serine, an amino acid with similar properties. This variant was previously reported in the SNPDatabase as rs80356990, but was absent from population-based cohorts in the NHLBI Exome Sequencing Project (ESP) and 1000 Genomes Project databases. This amino acid position is poorly conserved in available vertebrate species. In addition, the in silico prediction for this alteration is inconclusive. Since supporting evidence is limited at this time, the clinical significance of p.T236S remains unclear.

Breast Cancer Information Core (BIC) (BRCA1)
Classification: Uncertain significance for Breast-ovarian cancer, familial 1. Last evaluated: 2003-12-23. Review status: no assertion criteria provided. Collection method: clinical testing. Allele origin: germline. Affected: yes. Observed: 1 variant allele. Not counted in ClinVar's aggregate classification.